The following is an entry in ClinVar:

ClinVar aggregate classification (germline): Likely pathogenic (1 of 4 stars; one submission).

Conditions:
Fanconi anemia (FA). Also called: Fanconi's anemia. Identifiers: Orphanet 84, MedGen C0015625, MeSH D005199, MONDO:0019391.

Allele frequency attached by ClinVar (database versions not stated): gnomAD exomes below 0.00001; TOPMed below 0.00001; ExAC 0.00001; gnomAD 0.00001.
gnomAD v4.1: 2 of 1,611,528 alleles (0.00012%); highest among the groups gnomAD compares: Admixed American, 0.0017%; no homozygotes.

Submission:

Labcorp Genetics (formerly Invitae), Labcorp
Classification: Likely pathogenic for Fanconi anemia. Last evaluated: 2021-11-16. Review status: criteria provided, single submitter. Criteria: Invitae Variant Classification Sherloc (09022015). Collection method: clinical testing. Allele origin: germline.
Comment: This variant is present in population databases (rs759186986, gnomAD 0.0009%). Disruption of this splice site has been observed in individual(s) with breast and/or ovarian cancer (PMID: 27913932). Algorithms developed to predict the effect of sequence changes on RNA splicing suggest that this variant may disrupt the consensus splice site. In summary, the currently available evidence indicates that the variant is pathogenic, but additional data are needed to prove that conclusively. Therefore, this variant has been classified as Likely Pathogenic. This sequence change affects a donor splice site in intron 13 of the SLX4 gene. It is expected to disrupt RNA splicing. Variants that disrupt the donor or acceptor splice site typically lead to a loss of protein function (PMID: 16199547), and loss-of-function variants in SLX4 are known to be pathogenic (PMID: 21240277).

Literature cited by the submitters: PubMed 27913932; PubMed 16199547; PubMed 21240277.

NM_032444.4(SLX4):c.4739+1G>T

Gene: SLX4 (SLX4 structure-specific endonuclease subunit; minus strand). Cytogenetic location: 16p13.3.
Variant type: single nucleotide variant.
Coding change: c.4739+1G>T on transcript NM_032444.4 (MANE Select); the canonical splice donor site of the intron after coding-DNA position 4739, G replaced by T.
Molecular consequence: splice donor variant.
Genome position (GRCh38, 1-based): chr16:3,584,768, C>A on the plus strand (G>T on the coding strand, the complement: SLX4 is on the minus strand). VCF-style: chr16-3584768-C-A. GRCh37 (hg19) VCF-style: chr16-3634769-C-A.
Identifiers: ClinVar variation 1499614 (VCV001499614.6), dbSNP rs759186986, ClinGen allele CA7865537.